The following is an entry in ClinVar:

ClinVar aggregate classification (germline): Conflicting classifications of pathogenicity. Review status: criteria provided, conflicting classifications (1 of 4 stars). 6 submissions from 6 submitters: Uncertain significance (5); Likely benign (1). Last evaluated 2024-07-24.

Conditions:
Hermansky-Pudlak syndrome 4 (HPS4). Identifiers: Orphanet 231500, Orphanet 79430, MedGen C3484357, MONDO:0013556, OMIM 614073.

Allele frequency attached by ClinVar (database versions not stated): ESP Exome Variant Server 0.00008; 1000 Genomes Project 30x 0.00016; gnomAD exomes 0.00018 and 0.00033; 1000 Genomes Project 0.00020; gnomAD 0.00020 and 0.00021; ExAC 0.00033; TOPMed 0.00034.
gnomAD v4.1: 308 of 1,592,558 alleles (0.019%); highest among the groups gnomAD compares: Middle Eastern, 0.39%; no homozygotes.

Submissions (6):

Blueprint Genetics
Classification: Likely benign. Last evaluated: 2024-07-24. Review status: criteria provided, single submitter. Criteria: ACMG Guidelines, 2015. Collection method: clinical testing. Allele origin: germline.

Women's Health and Genetics/Laboratory Corporation of America, LabCorp
Classification: Uncertain significance. Last evaluated: 2024-03-26. Review status: criteria provided, single submitter. Criteria: LabCorp Variant Classification Summary - May 2015. Collection method: clinical testing. Allele origin: germline.
Comment: Variant summary: HPS4 c.834T>A (p.Asp278Glu) results in a conservative amino acid change in the encoded protein sequence. Five of five in-silico tools predict a benign effect of the variant on protein function. The variant allele was found at a frequency of 0.00033 in 228910 control chromosomes (gnomAD). This frequency is not significantly higher than estimated for a pathogenic variant in HPS4 causing Hermansky-Pudlak Syndrome (0.00033 vs 0.00052), allowing no conclusion about variant significance. To our knowledge, no occurrence of c.834T>A in individuals affected with Hermansky-Pudlak Syndrome and no experimental evidence demonstrating its impact on protein function have been reported. ClinVar contains an entry for this variant (Variation ID: 899928). Based on the evidence outlined above, the variant was classified as uncertain significance.

Labcorp Genetics (formerly Invitae), Labcorp
Classification: Uncertain significance. Last evaluated: 2022-10-24. Review status: criteria provided, single submitter. Criteria: Invitae Variant Classification Sherloc (09022015). Collection method: clinical testing. Allele origin: germline.
Comment: This sequence change replaces aspartic acid, which is acidic and polar, with glutamic acid, which is acidic and polar, at codon 278 of the HPS4 protein (p.Asp278Glu). This variant is present in population databases (rs139107954, gnomAD 0.08%). This variant has not been reported in the literature in individuals affected with HPS4-related conditions. ClinVar contains an entry for this variant (Variation ID: 899928). Algorithms developed to predict the effect of missense changes on protein structure and function output the following: SIFT: "Tolerated"; PolyPhen-2: "Benign"; Align-GVGD: "Class C0". The glutamic acid amino acid residue is found in multiple mammalian species, which suggests that this missense change does not adversely affect protein function. In summary, the available evidence is currently insufficient to determine the role of this variant in disease. Therefore, it has been classified as a Variant of Uncertain Significance.

Fulgent Genetics
Classification: Uncertain significance for Hermansky-Pudlak syndrome 4. Last evaluated: 2021-08-26. Review status: criteria provided, single submitter. Criteria: ACMG Guidelines, 2015. Collection method: clinical testing. Allele origin: unknown.

Illumina Laboratory Services, Illumina
Classification: Uncertain significance for Hermansky-Pudlak syndrome 4. Last evaluated: 2018-01-13. Review status: criteria provided, single submitter. Criteria: ICSL Variant Classification Criteria 13 December 2019. Collection method: clinical testing. Allele origin: germline.

Breakthrough Genomics
Classification: Uncertain significance. Review status: criteria provided, single submitter. Criteria: ACMG Guidelines, 2015. Collection method: not provided. Allele origin: germline. Inheritance: Autosomal dominant inheritance. Affected: yes.

NM_022081.6(HPS4):c.834T>A (p.Asp278Glu)

Gene: HPS4 (HPS4 biogenesis of lysosomal organelles complex 3 subunit 2; minus strand). Cytogenetic location: 22q12.1.
Variant type: single nucleotide variant.
Coding change: c.834T>A on transcript NM_022081.6 (MANE Select); coding-DNA position 834, T replaced by A.
Protein change: p.Asp278Glu; replaces aspartic acid 278 with glutamic acid.
Molecular consequence: missense variant. On other transcripts: non-coding transcript variant (8).
Genome position (GRCh38, 1-based): chr22:26,464,796, A>T on the plus strand (T>A on the coding strand, the complement: HPS4 is on the minus strand). VCF-style: chr22-26464796-A-T. GRCh37 (hg19) VCF-style: chr22-26860762-A-T.
Other names: c.834T>A, p.Asp278Glu (NM_001349896.1, NM_001349898.2, NM_001349899.2 and 4 more transcripts); c.888T>A, p.Asp296Glu (NM_001349900.2, NM_001349901.1); c.819T>A, p.Asp273Glu (NM_152841.2); short protein forms D296E, D278E, D273E.
Identifiers: ClinVar variation 899928 (VCV000899928.12), dbSNP rs139107954, ClinGen allele CA10163462.
Genomic context (GRCh38, chr22:26,464,796, plus strand): 5'-AGTGGCGTTTTCTTTCAGGGCAGATGTGCTCCCACCCTTTGGATGGTGCTGGGCTGAACC[A>T]TCCTGGAGTCCTGCTGGAGATGCTAGAGACCTGGCAAACAAGAGAGATGTAAGGAAGGGG-3'
Protein context (NP_071364.4, residues 268-288): RSLASPAGLQ[Asp278Glu]GSAQHHPKGG